The following is an entry in ClinVar:

NM_003320.5(TUB):c.8C>G (p.Ala3Gly)

Gene: TUB (TUB bipartite transcription factor; plus strand). Cytogenetic location: 11p15.4.
Variant type: single nucleotide variant.
Coding change: c.8C>G on transcript NM_003320.5; coding-DNA position 8, C replaced by G.
Protein change: p.Ala3Gly; replaces alanine 3 with glycine.
Molecular consequence: missense variant. On other transcripts: intron variant (4).
Genome position (GRCh38, 1-based): chr11:8,038,881, C>G. VCF-style: chr11-8038881-C-G. GRCh37 (hg19) VCF-style: chr11-8060428-C-G.
Other names: c.56+19523C>G (NM_001440538.1, NM_001440539.1, NM_001440540.1 and 1 more transcripts); short protein forms A3G.
Identifiers: ClinVar variation 3349318 (VCV003349318.1).

ClinVar aggregate classification (germline): Uncertain significance (0 of 4 stars; one submission).

Conditions:
TUB-related disorder. Also called: TUB-related condition.

Submission:

PreventionGenetics, part of Exact Sciences
Classification: Uncertain significance for TUB-related condition. Last evaluated: 2023-12-15. Review status: no assertion criteria provided. Collection method: clinical testing. Allele origin: germline.
Comment: The TUB c.8C>G variant is predicted to result in the amino acid substitution p.Ala3Gly. To our knowledge, this variant has not been reported in the literature or in a large population database, indicating this variant is rare. At this time, the clinical significance of this variant is uncertain due to the absence of conclusive functional and genetic evidence.